The following is an entry in ClinVar:

NM_001982.4(ERBB3):c.3925C>T (p.Arg1309Cys)

Gene: ERBB3 (erb-b2 receptor tyrosine kinase 3; plus strand). Cytogenetic location: 12q13.2.
Variant type: single nucleotide variant.
Coding change: c.3925C>T on transcript NM_001982.4 (MANE Select); coding-DNA position 3925, C replaced by T.
Protein change: p.Arg1309Cys; replaces arginine 1309 with cysteine.
Molecular consequence: missense variant.
Genome position (GRCh38, 1-based): chr12:56,101,951, C>T. VCF-style: chr12-56101951-C-T. GRCh37 (hg19) VCF-style: chr12-56495735-C-T.
Other names: short protein forms R1309C.
Identifiers: ClinVar variation 5005137 (VCV005005137.2).

ClinVar aggregate classification (germline): Uncertain significance (1 of 4 stars; one submission).

Conditions:
Visceral neuropathy, familial, 1, autosomal recessive (VSCN1). Identifiers: Orphanet 99811, MedGen C1855733, MONDO:8000011, OMIM 243180.
Erythroleukemia, familial, susceptibility to. Also called: DI GUGLIELMO DISEASE, FAMILIAL; Acute erythroleukemia, familial. Identifiers: Orphanet 318, MedGen C5552985, MONDO:0007573, OMIM 133180.
Lethal congenital contracture syndrome 2 (LCCS2). Also called: Lethal congenital contractural syndrome 2; MULTIPLE CONTRACTURE SYNDROME, ISRAELI BEDOUIN TYPE A. Identifiers: Orphanet 137776, MedGen C1843478, MONDO:0011868, OMIM 607598.

Submission:

Juno Genomics, Hangzhou Juno Genomics, Inc
Classification: Uncertain significance for Visceral neuropathy, familial, 1, autosomal recessive; Lethal congenital contracture syndrome 2; Erythroleukemia, familial, susceptibility to. Review status: criteria provided, single submitter. Criteria: ACMG Guidelines, 2015. Collection method: clinical testing. Allele origin: germline.
Comment: Absent from controls (or at extremely low frequency if recessive) in Genome Aggregation Database.;Missense variant in a gene that has a low rate of benign missense variation.